The following is an entry in ClinVar:

NM_000404.4(GLB1):c.2033G>C (p.Ter678Ser)

Gene: GLB1 (galactosidase beta 1; minus strand). Cytogenetic location: 3p22.3.
Variant type: single nucleotide variant.
Coding change: c.2033G>C on transcript NM_000404.4 (MANE Select); coding-DNA position 2033, G replaced by C.
Protein change: p.Ter678Ser.
Molecular consequence: stop lost. On other transcripts: intron variant (1).
Genome position (GRCh38, 1-based): chr3:32,997,046, C>G on the plus strand (G>C on the coding strand, the complement: GLB1 is on the minus strand). VCF-style: chr3-32997046-C-G. GRCh37 (hg19) VCF-style: chr3-33038538-C-G.
Other names: c.1943G>C, p.Ter648Ser (NM_001079811.3); c.1640G>C, p.Ter547Ser (NM_001135602.3); c.2177G>C, p.Ter726Ser (NM_001317040.2); c.1734+17010G>C (NM_001393580.1).
Identifiers: ClinVar variation 5003517 (VCV005003517.1).

ClinVar aggregate classification (germline): Uncertain significance (1 of 4 stars; one submission).

Conditions:
GLB1-related disorder. Also called: GLB1-related disorders. Identifiers: MedGen CN377807.

Submission:

Myriad Genetics, Inc.
Classification: Uncertain significance for GLB1-related disorder. Last evaluated: 2026-07-30. Review status: criteria provided, single submitter. Criteria: Myriad Autosomal Dominant, Autosomal Recessive and X-Linked Classification Criteria (2023). Collection method: clinical testing. Allele origin: unknown.
Comment: NM_000404.2(GLB1):c.2033G>C(*678Sext*1) is a stop-loss variant classified as a variant of uncertain significance in the context of GLB1-related disorders. *678Sext*1 has not been observed in cases with relevant disease. Relevant functional assessments of this variant are not available in the literature. *678Sext*1 has not been observed in referenced population frequency databases. In summary, there is insufficient evidence to classify NM_000404.2(GLB1):c.2033G>C(*678Sext*1) as pathogenic or benign. Please note: this variant was assessed in the context of healthy population screening.